The following is an entry in ClinVar:

ClinVar aggregate classification (germline): Likely pathogenic (1 of 4 stars; one submission).

Conditions:
Naxos disease (NXD). Also called: CARDIOMYOPATHY, ARRHYTHMOGENIC RIGHT VENTRICULAR, WITH SKIN, HAIR, AND NAIL ABNORMALITIES; KERATOSIS PALMOPLANTARIS WITH ARRHYTHMOGENIC CARDIOMYOPATHY; MAL DE NAXOS; PALMOPLANTAR KERATODERMA WITH ARRHYTHMOGENIC RIGHT VENTRICULAR CARDIOMYOPATHY AND WOOLLY HAIR; WOOLLY HAIR, PALMOPLANTAR KERATODERMA, AND CARDIAC ABNORMALITIES. Identifiers: Orphanet 34217, MedGen C1832600, MONDO:0011017, OMIM 601214.
Arrhythmogenic right ventricular dysplasia 12. Also called: ARRHYTHMOGENIC RIGHT VENTRICULAR DYSPLASIA, FAMILIAL, 12. Identifiers: MedGen C1969081, MONDO:0012684, OMIM 611528.

Submission:

Labcorp Genetics (formerly Invitae), Labcorp
Classification: Likely pathogenic for Arrhythmogenic right ventricular dysplasia 12; Naxos disease. Last evaluated: 2023-06-27. Review status: criteria provided, single submitter. Criteria: Invitae Variant Classification Sherloc (09022015). Collection method: clinical testing. Allele origin: germline.
Comment: Algorithms developed to predict the effect of sequence changes on RNA splicing suggest that this variant may disrupt the consensus splice site. This variant has not been reported in the literature in individuals affected with JUP-related conditions. This variant is not present in population databases (gnomAD no frequency). This sequence change affects an acceptor splice site in intron 9 of the JUP gene. It is expected to disrupt RNA splicing. Variants that disrupt the donor or acceptor splice site typically lead to a loss of protein function (PMID: 16199547), and loss-of-function variants in JUP are known to be pathogenic (PMID: 10902626). In summary, the currently available evidence indicates that the variant is pathogenic, but additional data are needed to prove that conclusively. Therefore, this variant has been classified as Likely Pathogenic.

Literature cited by the submitters: PubMed 16199547; PubMed 10902626.

NM_002230.4(JUP):c.1654-2A>G

Gene: JUP (junction plakoglobin; minus strand). Cytogenetic location: 17q21.2.
Variant type: single nucleotide variant.
Coding change: c.1654-2A>G on transcript NM_002230.4 (MANE Select); the canonical splice acceptor site of the intron before coding-DNA position 1654, A replaced by G.
Molecular consequence: splice acceptor variant.
Genome position (GRCh38, 1-based): chr17:41,758,520, T>C on the plus strand (A>G on the coding strand, the complement: JUP is on the minus strand). VCF-style: chr17-41758520-T-C. GRCh37 (hg19) VCF-style: chr17-39914772-T-C.
Other names: c.1654-2A>G (NM_001352774.2, NM_021991.4, NM_001352776.2 and 3 more transcripts).
Identifiers: ClinVar variation 2949350 (VCV002949350.3), dbSNP rs2544050841, ClinGen allele CA399493373.